The following is an entry in ClinVar:

ClinVar aggregate classification (germline): Uncertain significance. Review status: criteria provided, multiple submitters, no conflicts (2 of 4 stars). 2 submissions from 2 submitters: Uncertain significance (2). Last evaluated 2023-10-17.

Conditions:
Inborn genetic diseases. Identifiers: MedGen C0950123, MeSH D030342.
Leber congenital amaurosis 2 (LCA2). Also called: Autosomal Recessive RPE65-Related Retinal Degeneration; AMAUROSIS CONGENITA OF LEBER II. Identifiers: Orphanet 65, MedGen C1859844, MONDO:0008765, OMIM 204100. Disease mechanism: loss of function.
Retinitis pigmentosa 20 (RP20). Identifiers: Orphanet 791, MedGen C3151086, MONDO:0013425, OMIM 613794.

Allele frequency attached by ClinVar (database versions not stated): gnomAD exomes 0.00001; ExAC 0.00002.
gnomAD v4.1: 18 of 1,614,072 alleles (0.0011%); highest among the groups gnomAD compares: South Asian, 0.02%; no homozygotes.

Submissions (2):

Ambry Genetics
Classification: Uncertain significance for Inborn genetic diseases. Last evaluated: 2023-10-17. Review status: criteria provided, single submitter. Criteria: Ambry Variant Classification Scheme 2023. Collection method: clinical testing. Allele origin: germline.

Labcorp Genetics (formerly Invitae), Labcorp
Classification: Uncertain significance for Leber congenital amaurosis 2; Retinitis pigmentosa 20. Last evaluated: 2022-06-27. Review status: criteria provided, single submitter. Criteria: Invitae Variant Classification Sherloc (09022015). Collection method: clinical testing. Allele origin: germline.
Comment: This sequence change replaces isoleucine, which is neutral and non-polar, with threonine, which is neutral and polar, at codon 291 of the RPE65 protein (p.Ile291Thr). This variant is present in population databases (rs771240677, gnomAD 0.02%). This variant has not been reported in the literature in individuals affected with RPE65-related conditions. Algorithms developed to predict the effect of missense changes on protein structure and function are either unavailable or do not agree on the potential impact of this missense change (SIFT: "Deleterious"; PolyPhen-2: "Possibly Damaging"; Align-GVGD: "Class C0"). In summary, the available evidence is currently insufficient to determine the role of this variant in disease. Therefore, it has been classified as a Variant of Uncertain Significance.

NM_000329.3(RPE65):c.872T>C (p.Ile291Thr)

Gene: RPE65 (retinoid isomerohydrolase RPE65; minus strand). Cytogenetic location: 1p31.3.
Variant type: single nucleotide variant.
Coding change: c.872T>C on transcript NM_000329.3 (MANE Select); coding-DNA position 872, T replaced by C.
Protein change: p.Ile291Thr; replaces isoleucine 291 with threonine.
Molecular consequence: missense variant.
Genome position (GRCh38, 1-based): chr1:68,439,068, A>G on the plus strand (T>C on the coding strand, the complement: RPE65 is on the minus strand). VCF-style: chr1-68439068-A-G. GRCh37 (hg19) VCF-style: chr1-68904751-A-G.
Other names: c.872T>C (NM_000329.2); c.764T>C, p.Ile255Thr (NM_001406853.1); c.596T>C, p.Ile199Thr (NM_001406856.1, NM_001406857.1); c.872T>C, p.Ile291Thr (NM_001406859.1); short protein forms I255T, I199T, I291T.
Identifiers: ClinVar variation 2042668 (VCV002042668.2), dbSNP rs771240677, ClinGen allele CA902356.
Genomic context (GRCh38, chr1:68,439,068, plus strand): 5'-AGGTTGAAAGGAGAAGTTCTGTATTTATTATTGAGGTACTTTTTCCTTTTTTTGTCAGCA[A>G]TATGAAGCCAAACCTTGAAAAATGAGGAAAATATTTTGATGCATTTAAAAAGGAAAAAAG-3'
Protein context (NP_000320.1, residues 281-301): SNETMGVWLH[Ile291Thr]ADKKRKKYLN